The following is an entry in ClinVar:

NM_024334.3(TMEM43):c.853C>T (p.Leu285Phe)

Gene: TMEM43 (transmembrane protein 43; plus strand). Cytogenetic location: 3p25.1.
Variant type: single nucleotide variant.
Coding change: c.853C>T on transcript NM_024334.3 (MANE Select); coding-DNA position 853, C replaced by T.
Protein change: p.Leu285Phe; replaces leucine 285 with phenylalanine.
Molecular consequence: missense variant.
Genome position (GRCh38, 1-based): chr3:14,135,879, C>T. VCF-style: chr3-14135879-C-T. GRCh37 (hg19) VCF-style: chr3-14177379-C-T.
Other names: short protein forms L285F.
Identifiers: ClinVar variation 130595 (VCV000130595.13), dbSNP rs186530498, ClinGen allele CA024777.

ClinVar aggregate classification (germline): Uncertain significance. Review status: criteria provided, multiple submitters, no conflicts (2 of 4 stars). 5 submissions from 5 submitters: Uncertain significance (5). Last evaluated 2025-08-03.

Conditions:
Cardiovascular phenotype. Identifiers: MedGen CN230736.
Cardiomyopathy (CMYO). Also called: Cardiomyopathies. Identifiers: Orphanet 167848, MedGen C0878544, MONDO:0004994, HP:0001638. Inheritance: Various modes of inheritance.
Arrhythmogenic right ventricular dysplasia 5. Also called: Arrhythmogenic Right Ventricular Dysplasia/Cardiomyopathy 5; ARRHYTHMOGENIC RIGHT VENTRICULAR DYSPLASIA, FAMILIAL, 5. Identifiers: MedGen C1858379, MONDO:0011459, OMIM 604400.

Allele frequency attached by ClinVar (database versions not stated): TOPMed 0.00001.
gnomAD v4.1: 8 of 1,614,100 alleles (0.0005%); highest among the groups gnomAD compares: Non-Finnish European, 0.000085%; no homozygotes.

Submissions (5):

Labcorp Genetics (formerly Invitae), Labcorp
Classification: Uncertain significance for Arrhythmogenic right ventricular dysplasia 5. Last evaluated: 2025-08-03. Review status: criteria provided, single submitter. Criteria: Invitae Variant Classification Sherloc (09022015). Collection method: clinical testing. Allele origin: germline.
Comment: This sequence change replaces leucine, which is neutral and non-polar, with phenylalanine, which is neutral and non-polar, at codon 285 of the TMEM43 protein (p.Leu285Phe). This variant is present in population databases (rs186530498, gnomAD 0.03%). This variant has not been reported in the literature in individuals affected with TMEM43-related conditions. ClinVar contains an entry for this variant (Variation ID: 130595). Invitae Evidence Modeling of protein sequence and biophysical properties (such as structural, functional, and spatial information, amino acid conservation, physicochemical variation, residue mobility, and thermodynamic stability) indicates that this missense variant is not expected to disrupt TMEM43 protein function with a negative predictive value of 80%. In summary, the available evidence is currently insufficient to determine the role of this variant in disease. Therefore, it has been classified as a Variant of Uncertain Significance.

Molecular Diagnostic Laboratory for Inherited Cardiovascular Disease, Montreal Heart Institute
Classification: Uncertain significance for Cardiovascular phenotype. Last evaluated: 2025-04-09. Review status: criteria provided, single submitter. Criteria: ACMG Guidelines, 2015. Collection method: clinical testing. Allele origin: germline. Affected: yes.

Color Diagnostics, LLC DBA Color Health
Classification: Uncertain significance for Cardiomyopathy. Last evaluated: 2024-03-06. Review status: criteria provided, single submitter. Criteria: ACMG Guidelines, 2015. Collection method: clinical testing. Allele origin: germline.
Comment: This missense variant replaces leucine with phenylalanine at codon 285 of the TMEM43 protein. Computational prediction suggests that this variant may not impact protein structure and function (internally defined REVEL score threshold <= 0.5, PMID: 27666373). To our knowledge, functional studies have not been reported for this variant. This variant has not been reported in individuals affected with cardiovascular disorders in the literature. This variant has been identified in 3/250488 chromosomes in the general population by the Genome Aggregation Database (gnomAD). The available evidence is insufficient to determine the role of this variant in disease conclusively. Therefore, this variant is classified as a Variant of Uncertain Significance.

All of Us Research Program, National Institutes of Health
Classification: Uncertain significance for Arrhythmogenic right ventricular dysplasia 5. Last evaluated: 2023-04-28. Review status: criteria provided, single submitter. Criteria: ACMG Guidelines, 2015. Collection method: clinical testing. Allele origin: germline. Inheritance: Autosomal dominant inheritance. Observed: 2 variant alleles, 2 heterozygotes.
Comment: This missense variant replaces leucine with phenylalanine at codon 285 of the TMEM43 protein. Computational prediction suggests that this variant may not impact protein structure and function (internally defined REVEL score threshold <= 0.5, PMID: 27666373). To our knowledge, functional studies have not been reported for this variant. This variant has not been reported in individuals affected with cardiovascular disorders in the literature. This variant has been identified in 3/250488 chromosomes in the general population by the Genome Aggregation Database (gnomAD). The available evidence is insufficient to determine the role of this variant in disease conclusively. Therefore, this variant is classified as a Variant of Uncertain Significance.

This study involves interpretation of variants in research participants for the purpose of population health screening. Participant phenotype was not available at the time of variant classification. Additional details can be found in publication PMID: 35346344, PMCID: PMC8962531

Genetic Services Laboratory, University of Chicago
Classification: Uncertain significance. Last evaluated: 2013-10-23. Review status: criteria provided, single submitter. Criteria: ACMG Guidelines, 2007. Collection method: clinical testing. Allele origin: germline. Inheritance: Autosomal dominant inheritance.